The following is an entry in ClinVar:

NM_003560.4(PLA2G6):c.2239C>T (p.Arg747Trp)

Gene: PLA2G6 (phospholipase A2 group VI; minus strand). Cytogenetic location: 22q13.1.
Variant type: single nucleotide variant.
Coding change: c.2239C>T on transcript NM_003560.4 (MANE Select); coding-DNA position 2239, C replaced by T.
Protein change: p.Arg747Trp; replaces arginine 747 with tryptophan.
Molecular consequence: missense variant.
Genome position (GRCh38, 1-based): chr22:38,112,541, G>A on the plus strand (C>T on the coding strand, the complement: PLA2G6 is on the minus strand). VCF-style: chr22-38112541-G-A. GRCh37 (hg19) VCF-style: chr22-38508548-G-A.
Other names: NM_003560.4(PLA2G6):c.2239C>T; c.2077C>T, p.Arg693Trp (NM_001004426.3, NM_001199562.3, NM_001349865.2 and 1 more transcripts); c.2239C>T, p.Arg747Trp (NM_001349864.2); c.1705C>T, p.Arg569Trp (NM_001349867.2); c.1561C>T, p.Arg521Trp (NM_001349868.2); c.1543C>T, p.Arg515Trp (NM_001349869.2); short protein forms R747W, R521W, R515W, R569W, R693W.
Identifiers: ClinVar variation 6204 (VCV000006204.16), dbSNP rs121908687, ClinGen allele CA253798.
Genomic context (GRCh38, chr22:38,112,541, plus strand): 5'-GGCTGGGGCGGCTGAGCCCTCACCTGAAGTACTGGATGCCGACCATCTCGCACCAGGCCC[G>A]TGCCCGGTCCACAGCCCGCCCGTCTGGATCCGTGCACTGGTGAGAAGCAGCCTTGGTGAG-3'
Protein context (NP_003551.2, residues 737-757): DPDGRAVDRA[Arg747Trp]AWCEMVGIQY

ClinVar aggregate classification (germline): Pathogenic/Likely pathogenic. Review status: criteria provided, multiple submitters, no conflicts (2 of 4 stars). 11 submissions from 11 submitters: Pathogenic (9); Likely pathogenic (1). 1 of the submissions does not count toward it. Last evaluated 2026-01-31.

Conditions:
PLA2G6-associated neurodegeneration (PLAN). Also called: phospholipase A2-associated neurodegeneration. Identifiers: Orphanet 329303, MedGen CN204472, MONDO:0017998.
Infantile neuroaxonal dystrophy (NBIA2A). Also called: Infantile neuroaxonal dystrophy 1; NEURODEGENERATION WITH BRAIN IRON ACCUMULATION 2A; SEITELBERGER DISEASE. Identifiers: Orphanet 35069, MedGen C0270724, MONDO:0024457, OMIM 256600.
Neurodegeneration with brain iron accumulation 2B. Also called: NEUROAXONAL DYSTROPHY, ATYPICAL; NEURODEGENERATION WITH BRAIN IRON ACCUMULATION, PLA2G6-RELATED; aNAD; atypical Neuroaxonal Dystrophy (aNAD). Identifiers: Orphanet 35069, MedGen C1857747, MONDO:0012444, OMIM 610217.
Autosomal recessive Parkinson disease 14. Also called: PARKINSON DISEASE 14; DYSTONIA-PARKINSONISM, ADULT-ONSET. Identifiers: Orphanet 199351, MedGen C2751842, MONDO:0013060, OMIM 612953.

Allele frequency attached by ClinVar (database versions not stated): TOPMed 0.00001; gnomAD exomes 0.00002 and 0.00003; ExAC 0.00006.

Submissions 1 to 7 of 11:

GeneDx
Classification: Pathogenic. Last evaluated: 2026-01-31. Review status: criteria provided, single submitter. Criteria: GeneDx Variant Classification Process June 2021. Collection method: clinical testing. Allele origin: germline.
Comment: Published functional studies suggest this variant impairs mitochondrial function and calcium signaling (PMID: 40189860); Not observed at significant frequency in large population cohorts (gnomAD); In silico analysis supports that this missense variant has a deleterious effect on protein structure/function; This variant is associated with the following publications: (PMID: 20886109, 18570303, 27127721, 28295203, 35872528, 26001724, 23736975, 30868093, 35152491, Park2019[CaseReport], 36155027, 39184971, 40817817, 26755131, Ali2025[Preprint], 33542532, 40189860)

Victorian Clinical Genetics Services, Murdoch Childrens Research Institute
Classification: Pathogenic for PLA2G6-associated neurodegeneration. Last evaluated: 2025-09-18. Review status: criteria provided, single submitter. Criteria: ACMG Guidelines, 2015. Collection method: clinical testing. Allele origin: germline. Affected: yes.
Comment: This variant is classified as Pathogenic. Evidence in support of pathogenic classification: Variant is present in gnomAD <0.01 for a recessive condition (v4: 25 heterozygote(s), 0 homozygote(s)); This variant has strong previous evidence of pathogenicity in unrelated individuals. This variant has been classified as likely pathogenic and pathogenic by multiple clinical laboratories in ClinVar and reported in a homozygous state in individuals with PLA2G6-associated neurodegeneration (PMIDs: 18570303, 27127721, 28295203, 35152491); Missense variant predicted to be damaging by in silico tool(s) or highly conserved with a major amino acid change. Additional information: Variant is predicted to result in a missense amino acid change from Arg to Trp; This variant is heterozygous; This gene is associated with autosomal recessive disease; Alternative amino acid change(s) at the same position are present in gnomAD (highest allele count: v4: 26 heterozygote(s), 0 homozygote(s)); Loss of function is a known mechanism of disease in this gene and is associated with PLA2G6-associated neurodegeneration (MONDO:0017998); Variants in this gene are known to have variable expressivity. Intrafamilial variability has been reported (PMID: 34622992).

Genetic Services Laboratory, University of Chicago
Classification: Pathogenic. Last evaluated: 2024-12-30. Review status: criteria provided, single submitter. Criteria: ACMG Guidelines, 2015. Collection method: clinical testing. Allele origin: germline. Affected: yes.
Comment: DNA sequence analysis of the PLA2G6 gene demonstrated a sequence change, c.2239C>T, in exon 16 that results in an amino acid change, p.Arg747Trp. The p.Arg747Trp change affects a moderately conserved amino acid residue located in a domain of the PLA2G6 protein that is known to be functional. The p.Arg747Trp substitution appears to be deleterious using several in-silico pathogenicity prediction tools (SIFT, PolyPhen2, REVEL). This sequence change has previously been described in the homozygous state in individuals of South Asian descent with PLA2G6-related disease (PMID: 18570303, 27127721, 28295203). In vitro functional studies provide some evidence that the p.Arg747Trp variant may impact PLA2G6 protein function (PMID: 26755131, 20886109). This sequence change occurs in a region of the gene where several other pathogenic missense changes have been described. Other pathogenic missense changes that affect the same p.747 amino acid codon have been described in affected individuals (PMID: 35861376). This sequence change has been described in the gnomAD database with a frequency of 0.011% in the South Asian subpopulation (dbSNP rs121908687). These collective evidences indicate that this sequence change is pathogenic.

Labcorp Genetics (formerly Invitae), Labcorp
Classification: Pathogenic for Infantile neuroaxonal dystrophy. Last evaluated: 2024-10-23. Review status: criteria provided, single submitter. Criteria: Invitae Variant Classification Sherloc (09022015). Collection method: clinical testing. Allele origin: germline.
Comment: This sequence change replaces arginine, which is basic and polar, with tryptophan, which is neutral and slightly polar, at codon 747 of the PLA2G6 protein (p.Arg747Trp). The frequency data for this variant in the population databases is considered unreliable, as metrics indicate poor data quality at this position in the gnomAD database. This missense change has been observed in individuals with PLA2G6-related conditions (PMID: 18570303, 27127721, 28295203). It has also been observed to segregate with disease in related individuals. ClinVar contains an entry for this variant (Variation ID: 6204). Invitae Evidence Modeling of protein sequence and biophysical properties (such as structural, functional, and spatial information, amino acid conservation, physicochemical variation, residue mobility, and thermodynamic stability) indicates that this missense variant is expected to disrupt PLA2G6 protein function with a positive predictive value of 80%. Experimental studies are conflicting or provide insufficient evidence to determine the effect of this variant on PLA2G6 function (PMID: 20886109, 26755131). This variant disrupts the p.Arg747 amino acid residue in PLA2G6. Other variant(s) that disrupt this residue have been observed in individuals with PLA2G6-related conditions (PMID: 35861376; internal data), which suggests that this may be a clinically significant amino acid residue. For these reasons, this variant has been classified as Pathogenic.

Broad Center for Mendelian Genomics, Broad Institute of MIT and Harvard
Classification: Pathogenic for PLA2G6-associated neurodegeneration. Last evaluated: 2023-01-24. Review status: criteria provided, single submitter. Criteria: ACMG Guidelines, 2015. Collection method: curation. Allele origin: germline. Inheritance: Autosomal recessive inheritance.
Comment: The p.Arg747Trp variant in PLA2G6 has been reported at least 6 individuals with PLA2G6-associated neurodegeneration (PMID: 18570303, 27127721, 30868093, 28295203, 35152491, Park_2019), segregated with disease in 2 affected relatives from 2 families (PMID: 28295203, Park_2019), and has been identified in 0.01% (3/23206) of South Asian chromosomes by the Genome Aggregation Database (gnomAD; dbSNP ID: rs751225193). Although this variant has been seen in the general population in a heterozygous state, its frequency is not high enough to rule out a pathogenic role. Of the 6 affected individuals, all were homozygotes, which increases the likelihood that the p.Arg747Trp variant is pathogenic (PMID: 18570303, 27127721, 30868093, 28295203, 35152491, Park_2019). This variant has also been reported in ClinVar (Variation ID#: 6204) and has been interpreted as pathogenic or likely pathogenic by Fulgent Genetics, Baylor Genetics, Institute of Medical Genetics and Applied Genomics (University Hospital T√ºbingen), and OMIM. In vitro functional studies provide some evidence that the p.Arg747Trp variant may impact protein function (PMID: 26001724, 26755131, 20886109). However, these types of assays may not accurately represent biological function. Animal models in mice have shown that this variant causes PLA2G6-associated neurodegeneration (PMID: 26755131). Computational prediction tools and conservation analyses suggest that this variant may impact the protein, though this information is not predictive enough to determine pathogenicity. The phenotype of individuals homozygous for this variant is highly specific for PLA2G6-associated neurodegeneration based on brain iron accumulation on MRI consistent with disease (PMID: 30868093, 28295203). In summary, this variant meets criteria to be classified as pathogenic for autosomal recessive PLA2G6-associated neurodegeneration. ACMG/AMP Criteria applied: PM3, PP3, PS3, PP1, PP4 (Richards 2015).

Institute of Human Genetics Munich, TUM University Hospital
Classification: Pathogenic for Autosomal recessive Parkinson disease 14. Last evaluated: 2021-06-04. Review status: criteria provided, single submitter. Criteria: Classification criteria August 2017. Collection method: clinical testing. Allele origin: germline. Inheritance: Autosomal recessive inheritance. Affected: yes. Observed: 1 variant allele.

Institute of Medical Genetics and Applied Genomics, University Hospital Tübingen
Classification: Pathogenic. Last evaluated: 2020-10-23. Review status: criteria provided, single submitter. Criteria: ACMG Guidelines, 2015. Collection method: clinical testing. Allele origin: germline. Inheritance: Unknown mechanism. Affected: yes.